The following is an entry in ClinVar:

ClinVar aggregate classification (germline): Likely benign (1 of 4 stars; one submission).

Conditions:
Rafiq syndrome (RAFQS). Identifiers: Orphanet 88616, MedGen C3280127, MONDO:0013624, OMIM 614202.

Allele frequency attached by ClinVar (database versions not stated): gnomAD 0.00461 and 0.00488; TOPMed 0.00499; 1000 Genomes Project 30x 0.00656; 1000 Genomes Project 0.00699.

Submission:

Illumina Laboratory Services, Illumina
Classification: Likely benign for Rafiq syndrome. Last evaluated: 2018-01-12. Review status: criteria provided, single submitter. Criteria: ICSL Variant Classification Criteria 13 December 2019. Collection method: clinical testing. Allele origin: germline.
Comment: This variant was observed in the ICSL laboratory as part of a predisposition screen in an ostensibly healthy population. It had not been previously curated by ICSL or reported in the Human Gene Mutation Database (HGMD: prior to June 1st, 2018), and was therefore a candidate for classification through an automated scoring system. Utilizing variant allele frequency, disease prevalence and penetrance estimates, and inheritance mode, an automated score was calculated to assess if this variant is too frequent to cause the disease. Based on the score and internal cut-off values, a variant classified as likely benign is not then subjected to further curation. The score for this variant resulted in a classification of likely benign for this disease.

NM_016219.5(MAN1B1):c.*223G>A

Gene: MAN1B1 (mannosidase alpha class 1B member 1; plus strand). Cytogenetic location: 9q34.3.
Variant type: single nucleotide variant.
Coding change: c.*223G>A on transcript NM_016219.5 (MANE Select); 223 bases downstream of the stop codon, G replaced by A.
Molecular consequence: 3 prime UTR variant. On other transcripts: non-coding transcript variant (2).
Genome position (GRCh38, 1-based): chr9:137,108,814, G>A. VCF-style: chr9-137108814-G-A. GRCh37 (hg19) VCF-style: chr9-140003266-G-A.
Identifiers: ClinVar variation 913610 (VCV000913610.4), dbSNP rs141959719, ClinGen allele CA5359612.